The following is an entry in ClinVar:

ClinVar aggregate classification (germline): Uncertain significance. Review status: criteria provided, multiple submitters, no conflicts (2 of 4 stars). 2 submissions from 2 submitters: Uncertain significance (2). Last evaluated 2024-12-11.

Conditions:
Inborn genetic diseases. Identifiers: MedGen C0950123, MeSH D030342.

Allele frequency attached by ClinVar (database versions not stated): gnomAD 0.00001; gnomAD exomes 0.00002; ExAC 0.00016.
gnomAD v4.1: 26 of 1,330,326 alleles (0.002%); highest among the groups gnomAD compares: South Asian, 0.018%; 1 homozygote.

Submissions (2):

Ambry Genetics
Classification: Uncertain significance for Inborn genetic diseases. Last evaluated: 2024-12-11. Review status: criteria provided, single submitter. Criteria: Ambry Variant Classification Scheme 2023. Collection method: clinical testing. Allele origin: germline.

Labcorp Genetics (formerly Invitae), Labcorp
Classification: Uncertain significance. Last evaluated: 2022-11-26. Review status: criteria provided, single submitter. Criteria: Invitae Variant Classification Sherloc (09022015). Collection method: clinical testing. Allele origin: germline.
Comment: Algorithms developed to predict the effect of missense changes on protein structure and function output the following: SIFT: "Tolerated"; PolyPhen-2: "Benign"; Align-GVGD: "Class C0". The valine amino acid residue is found in multiple mammalian species, which suggests that this missense change does not adversely affect protein function. In summary, the available evidence is currently insufficient to determine the role of this variant in disease. Therefore, it has been classified as a Variant of Uncertain Significance. This variant has not been reported in the literature in individuals affected with GALNT2-related conditions. This sequence change replaces alanine, which is neutral and non-polar, with valine, which is neutral and non-polar, at codon 30 of the GALNT2 protein (p.Ala30Val). The frequency data for this variant in the population databases is considered unreliable, as metrics indicate poor data quality at this position in the gnomAD database.

NM_004481.5(GALNT2):c.89C>T (p.Ala30Val)

Genes: GALNT2 (polypeptide N-acetylgalactosaminyltransferase 2; plus strand), LOC129932743 (ATAC-STARR-seq lymphoblastoid silent region 1936; plus strand). Cytogenetic location: 1q42.13.
Variant type: single nucleotide variant.
Coding change: c.89C>T on transcript NM_004481.5 (MANE Select); coding-DNA position 89, C replaced by T.
Protein change: p.Ala30Val; replaces alanine 30 with valine.
Molecular consequence: missense variant. On other transcripts: non-coding transcript variant (1), intron variant (1).
Genome position (GRCh38, 1-based): chr1:230,067,369, C>T. VCF-style: chr1-230067369-C-T. GRCh37 (hg19) VCF-style: chr1-230203116-C-T.
Other names: c.89C>T (NM_004481.3); c.12+9291C>T (NM_001291866.2); short protein forms A30V.
Identifiers: ClinVar variation 2998094 (VCV002998094.4), dbSNP rs753282220, ClinGen allele CA1446016.